The following is an entry in ClinVar:

ClinVar aggregate classification (germline): Uncertain significance. Review status: criteria provided, multiple submitters, no conflicts (2 of 4 stars). 4 submissions from 4 submitters: Uncertain significance (4). Last evaluated 2024-01-30.

Conditions:
Chédiak-Higashi syndrome (CHS). Also called: Chediak-Higashi Syndrome. Identifiers: Orphanet 167, MedGen C0007965, MONDO:0008963, OMIM 214500.

Allele frequency attached by ClinVar (database versions not stated): ExAC 0.00001; gnomAD 0.00001; TOPMed 0.00001; gnomAD exomes 0.00002.
gnomAD v4.1: 28 of 1,613,764 alleles (0.0017%); highest among the groups gnomAD compares: Non-Finnish European, 0.0022%; no homozygotes.

Submissions (4):

Blueprint Genetics
Classification: Uncertain significance. Last evaluated: 2024-01-30. Review status: criteria provided, single submitter. Criteria: ACMG Guidelines, 2015. Collection method: clinical testing. Allele origin: germline.

Labcorp Genetics (formerly Invitae), Labcorp
Classification: Uncertain significance for Chédiak-Higashi syndrome. Last evaluated: 2022-01-27. Review status: criteria provided, single submitter. Criteria: Invitae Variant Classification Sherloc (09022015). Collection method: clinical testing. Allele origin: germline.
Comment: This sequence change replaces arginine, which is basic and polar, with tryptophan, which is neutral and slightly polar, at codon 3320 of the LYST protein (p.Arg3320Trp). This variant is present in population databases (rs761351181, gnomAD 0.003%). This variant has not been reported in the literature in individuals affected with LYST-related conditions. ClinVar contains an entry for this variant (Variation ID: 806383). Algorithms developed to predict the effect of missense changes on protein structure and function are either unavailable or do not agree on the potential impact of this missense change (SIFT: "Deleterious"; PolyPhen-2: "Probably Damaging"; Align-GVGD: "Class C0"). In summary, the available evidence is currently insufficient to determine the role of this variant in disease. Therefore, it has been classified as a Variant of Uncertain Significance.

Revvity Omics, Revvity
Classification: Uncertain significance for Chédiak-Higashi syndrome. Last evaluated: 2019-01-23. Review status: criteria provided, single submitter. Criteria: ACMG Guidelines, 2015. Collection method: clinical testing. Allele origin: germline.

CeGaT Center for Human Genetics Tuebingen
Classification: Uncertain significance. Last evaluated: 2017-10-01. Review status: criteria provided, single submitter. Criteria: CeGaT Center For Human Genetics Tuebingen Variant Classification Criteria Version 2. Collection method: clinical testing. Allele origin: germline. Affected: yes. Observed: 1 variant allele.

NM_000081.4(LYST):c.9958C>T (p.Arg3320Trp)

Genes: LYST (lysosomal trafficking regulator; minus strand), LOC126806063 (MED14-independent group 3 enhancer GRCh37_chr1:235871544-235872743; plus strand). Cytogenetic location: 1q42.3.
Variant type: single nucleotide variant.
Coding change: c.9958C>T on transcript NM_000081.4 (MANE Select); coding-DNA position 9958, C replaced by T.
Protein change: p.Arg3320Trp; replaces arginine 3320 with tryptophan.
Molecular consequence: missense variant.
Genome position (GRCh38, 1-based): chr1:235,709,276, G>A on the plus strand (C>T on the coding strand, the complement: LYST is on the minus strand). VCF-style: chr1-235709276-G-A. GRCh37 (hg19) VCF-style: chr1-235872576-G-A.
Other names: c.9958C>T, p.Arg3320Trp (NM_001301365.1); short protein forms R3320W.
Identifiers: ClinVar variation 806383 (VCV000806383.48), dbSNP rs761351181, ClinGen allele CA1465469.